The following is an entry in ClinVar:

ClinVar aggregate classification (germline): Likely benign. Review status: criteria provided, multiple submitters, no conflicts (2 of 4 stars). 3 submissions from 3 submitters: Likely benign (3). Last evaluated 2025-12-03.

Conditions:
Emery-Dreifuss muscular dystrophy 4, autosomal dominant (EDMD4). Also called: EMERY-DREIFUSS MUSCULAR DYSTROPHY 4 WITH VARIABLE FEATURES. Identifiers: Orphanet 261, MedGen C2751807, MONDO:0013071, OMIM 612998.
Autosomal recessive ataxia, Beauce type. Also called: SYNE1 Deficiency; Spinocerebellar ataxia, autosomal recessive 8; ATAXIA, RECESSIVE, OF BEAUCE; SYNE1-Related Autosomal Recessive Cerebellar Ataxia. Identifiers: Orphanet 88644, MedGen C1853116, MONDO:0012549, OMIM 610743.

Allele frequency attached by ClinVar (database versions not stated): gnomAD 0.00009 and 0.00011; TOPMed 0.00009; gnomAD exomes 0.00010; ExAC 0.00011; 1000 Genomes Project 0.00060; 1000 Genomes Project 30x 0.00062.
gnomAD v4.1: 109 of 1,613,864 alleles (0.0068%); highest among the groups gnomAD compares: South Asian, 0.034%; no homozygotes.

Submissions (3):

Labcorp Genetics (formerly Invitae), Labcorp
Classification: Likely benign for Emery-Dreifuss muscular dystrophy 4, autosomal dominant; Autosomal recessive ataxia, Beauce type. Last evaluated: 2025-12-03. Review status: criteria provided, single submitter. Criteria: Invitae Variant Classification Sherloc (09022015). Collection method: clinical testing. Allele origin: germline.

Athena Diagnostics
Classification: Likely benign. Last evaluated: 2018-07-23. Review status: criteria provided, single submitter. Criteria: Athena Diagnostics Criteria. Collection method: clinical testing. Allele origin: germline.

GeneDx
Classification: Likely benign. Last evaluated: 2017-07-27. Review status: criteria provided, single submitter. Criteria: GeneDx Variant Classification (06012015). Collection method: clinical testing. Allele origin: germline. Affected: yes.
Comment: This variant is considered likely benign or benign based on one or more of the following criteria: it is a conservative change, it occurs at a poorly conserved position in the protein, it is predicted to be benign by multiple in silico algorithms, and/or has population frequency not consistent with disease.

NM_182961.4(SYNE1):c.21951C>T (p.Ser7317=)

Gene: SYNE1 (spectrin repeat containing nuclear envelope protein 1; minus strand). Cytogenetic location: 6q25.2.
Variant type: single nucleotide variant.
Coding change: c.21951C>T on transcript NM_182961.4 (MANE Select); coding-DNA position 21951, C replaced by T.
Protein change: p.Ser7317=; no amino-acid change (serine 7317 retained).
Molecular consequence: synonymous variant.
Genome position (GRCh38, 1-based): chr6:152,219,096, G>A on the plus strand (C>T on the coding strand, the complement: SYNE1 is on the minus strand). VCF-style: chr6-152219096-G-A. GRCh37 (hg19) VCF-style: chr6-152540231-G-A.
Other names: c.21738C>T, p.Ser7246= (NM_033071.5).
Identifiers: ClinVar variation 511157 (VCV000511157.10), dbSNP rs368864479, ClinGen allele CA4054012.
Genomic context (GRCh38, chr6:152,219,096, plus strand): 5'-CTCCAGGGCACACAAGTGTTGACTCAAAGAGAGTTGATCCGATTGAATAGCTGATGCTGC[G>A]GAAGCATCCACTTGTTGCTTCAGTTGCTCTCCCAGCTCATGGAGAAAAAAGAGGGAATCT-3'
Protein context (NP_892006.3, residues 7307-7327): GEQLKQQVDA[Ser7317=]AASAIQSDQL